The following is an entry in ClinVar:

ClinVar aggregate classification (germline): Conflicting classifications of pathogenicity. Review status: criteria provided, conflicting classifications (1 of 4 stars). 2 submissions from 2 submitters: Uncertain significance (1); Likely benign (1). Last evaluated 2025-01-20.

Submissions (2):

Ambry Genetics
Classification: Likely benign. Last evaluated: 2025-01-20. Review status: criteria provided, single submitter. Criteria: Ambry Variant Classification Scheme 2023. Collection method: clinical testing. Allele origin: germline.

Labcorp Genetics (formerly Invitae), Labcorp
Classification: Uncertain significance. Last evaluated: 2024-03-13. Review status: criteria provided, single submitter. Criteria: Invitae Variant Classification Sherloc (09022015). Collection method: clinical testing. Allele origin: germline.
Comment: This sequence change replaces glutamic acid, which is acidic and polar, with glycine, which is neutral and non-polar, at codon 682 of the SIX5 protein (p.Glu682Gly). This variant is present in population databases (rs534231146, gnomAD 0.1%), and has an allele count higher than expected for a pathogenic variant. This variant has not been reported in the literature in individuals affected with SIX5-related conditions. An algorithm developed to predict the effect of missense changes on protein structure and function (PolyPhen-2) suggests that this variant is likely to be disruptive. In summary, the available evidence is currently insufficient to determine the role of this variant in disease. Therefore, it has been classified as a Variant of Uncertain Significance.

NM_175875.5(SIX5):c.2045A>G (p.Glu682Gly)

Gene: SIX5 (SIX homeobox 5; minus strand). Cytogenetic location: 19q13.32.
Variant type: single nucleotide variant.
Coding change: c.2045A>G on transcript NM_175875.5 (MANE Select); coding-DNA position 2045, A replaced by G.
Protein change: p.Glu682Gly; replaces glutamic acid 682 with glycine.
Molecular consequence: missense variant.
Genome position (GRCh38, 1-based): chr19:45,765,676, T>C on the plus strand (A>G on the coding strand, the complement: SIX5 is on the minus strand). VCF-style: chr19-45765676-T-C. GRCh37 (hg19) VCF-style: chr19-46268934-T-C.
Other names: c.2045A>G (NM_175875.4); short protein forms E682G.
Identifiers: ClinVar variation 3703523 (VCV003703523.3).